The following is an entry in ClinVar:

NM_000113.3(TOR1A):c.290C>G (p.Thr97Arg)

Gene: TOR1A (torsin family 1 member A; minus strand). Cytogenetic location: 9q34.11.
Variant type: single nucleotide variant.
Coding change: c.290C>G on transcript NM_000113.3 (MANE Select); coding-DNA position 290, C replaced by G.
Protein change: p.Thr97Arg; replaces threonine 97 with arginine.
Molecular consequence: missense variant.
Genome position (GRCh38, 1-based): chr9:129,822,735, G>C on the plus strand (C>G on the coding strand, the complement: TOR1A is on the minus strand). VCF-style: chr9-129822735-G-C. GRCh37 (hg19) VCF-style: chr9-132585014-G-C.
Other names: short protein forms T97R.
Identifiers: ClinVar variation 4536238 (VCV004536238.1).

ClinVar aggregate classification (germline): Uncertain significance (1 of 4 stars; one submission).

Submission:

GeneDx
Classification: Uncertain significance. Last evaluated: 2025-06-03. Review status: criteria provided, single submitter. Criteria: GeneDx Variant Classification Process June 2021. Collection method: clinical testing. Allele origin: germline. Affected: yes.
Comment: Not observed at significant frequency in large population cohorts (gnomAD); In silico analysis supports that this missense variant has a deleterious effect on protein structure/function; This variant is associated with the following publications: (PMID: 36757831)